The following is an entry in ClinVar:

NM_014844.5(TECPR2):c.190del (p.Leu64fs)

Gene: TECPR2 (tectonin beta-propeller repeat containing 2; plus strand). Cytogenetic location: 14q32.31.
Variant type: Deletion.
Coding change: c.190del on transcript NM_014844.5 (MANE Select); coding-DNA position 190, one base deleted (C; older notation c.190delC).
Protein change: p.Leu64fs; shifts the reading frame from leucine 64.
Molecular consequence: frameshift variant.
Genome position (GRCh38, 1-based): chr14:102,376,911, C deleted; the last of 2 consecutive C bases (chr14:102,376,910-102,376,911); deleting either gives the same sequence. VCF-style (leftmost placement, unchanged base first): chr14-102376909-AC-A. GRCh37 (hg19) VCF-style: chr14-102843246-AC-A.
Other names: c.190del, p.Leu64fs (NM_001172631.3); short protein forms L64fs.
Identifiers: ClinVar variation 2857170 (VCV002857170.3), dbSNP rs2504306619, ClinGen allele CA2739278552.

ClinVar aggregate classification (germline): Pathogenic (1 of 4 stars; one submission).

Conditions:
Hereditary spastic paraplegia 49 (HSAN9). Also called: TECPR2-Related Hereditary Sensory and Autonomic Neuropathy with Intellectual Disability; NEUROPATHY, HEREDITARY SENSORY AND AUTONOMIC, TYPE IX, WITH DEVELOPMENTAL DELAY; Spastic paraplegia 49, autosomal recessive. Identifiers: Orphanet 320385, MedGen C5190860, MONDO:0014016, OMIM 615031.

Submission:

Labcorp Genetics (formerly Invitae), Labcorp
Classification: Pathogenic for Hereditary spastic paraplegia 49. Last evaluated: 2023-04-18. Review status: criteria provided, single submitter. Criteria: Invitae Variant Classification Sherloc (09022015). Collection method: clinical testing. Allele origin: germline.
Comment: This sequence change creates a premature translational stop signal (p.Leu64Serfs*4) in the TECPR2 gene. It is expected to result in an absent or disrupted protein product. Loss-of-function variants in TECPR2 are known to be pathogenic (PMID: 23176824, 25590979). This variant is not present in population databases (gnomAD no frequency). This variant has not been reported in the literature in individuals affected with TECPR2-related conditions. For these reasons, this variant has been classified as Pathogenic.

Literature cited by the submitters: PubMed 23176824; PubMed 25590979.